The following is an entry in ClinVar:

ClinVar aggregate classification (germline): Pathogenic. Review status: reviewed by expert panel (3 of 4 stars). 20 submissions from 18 submitters: Pathogenic (1). 19 of the submissions do not count toward it. Last evaluated 2026-02-24.

Conditions:
ABCA4-related retinopathy. Also called: ABCA4-related retinoapthy; ABCA4 retinoapthy. Identifiers: MedGen CN322612, MONDO:0800406.
ABCA4-related disorder. Also called: ABCA4-related disorders; ABCA4-related condition. Identifiers: MedGen CN239167.
Retinal dystrophy. Also called: Inherited retinal dystrophy. Identifiers: Orphanet 71862, MedGen C0854723, MeSH D058499, MONDO:0019118, HP:0000556.
Retinitis pigmentosa 19 (RP19). Also called: ABCA4-Related Retinitis Pigmentosa. Identifiers: Orphanet 791, MedGen C1866422, MONDO:0011137, OMIM 601718.
Severe early-childhood-onset retinal dystrophy (STGD1). Also called: MACULAR DYSTROPHY WITH FLECKS, TYPE 1; STGD; Stargardt macular dystrophy; Juvenile onset macular degeneration; Stargardt disease 1. Identifiers: Orphanet 364055, Orphanet 827, MedGen C1855465, MeSH D000080362, MONDO:0009549, OMIM 248200.
Retinal disorder. Also called: Retinopathy; Retinal disorders; Retinopathies; Retinal Diseases. Identifiers: MedGen C0035309, MONDO:0005283, HP:0000488.
Cone dystrophy. Identifiers: Orphanet 1871, MedGen C0730290, MONDO:0000455.

Allele frequency attached by ClinVar (database versions not stated): gnomAD below 0.00001 and 0.00001; 1000 Genomes Project 30x 0.00016; 1000 Genomes Project 0.00020.

Submissions 1 to 13 of 20:

ClinGen ABCA4 Variant Curation Expert Panel, Clingen
Classification: Pathogenic for ABCA4-related retinopathy. Last evaluated: 2026-02-24. Review status: reviewed by expert panel. Criteria: ClinGen ABCA4 ACMG Specifications V1.0.0. Collection method: curation. Allele origin: germline. Inheritance: Autosomal recessive inheritance.
Comment: The NM_000350.3:c.6658C>T; p.Gln2220Ter variant in ABCA4 is a nonsense variant predicted to cause a premature stop codon in biologically-relevant exon 48/50 leading to nonsense mediated decay in a gene in which loss-of-function is an established disease mechanism (PVS1). This variant is absent from gnomAD v4.1.0 meeting PM2_Supporting. The prevalence of the variant in affected individuals is significantly increased compared with the prevalence in controls with an OR of 239 and CI of 61.99-2078.91, which is above the ABCA4 VCEP threshold of ≥5 where the CI does not contain 1 (PS4; PMID: 35120629). This variant has been detected in at least four individuals with ABCA4-related retinopathy. Of those individuals, 4 were homozygous for this variant (PM3; PMID: 23769331). In summary, this variant meets the criteria to be classified as pathogenic for ABCA4-related retinopathy based on the ACMG/AMP criteria applied, as specified by the ClinGen ABCA4 VCEP (Specification Version 1): PVS1, PS4, PM3, PM2_Supporting.

Variantyx, Inc.
Classification: Pathogenic for Severe early-childhood-onset retinal dystrophy. Last evaluated: 2026-01-11. Review status: criteria provided, single submitter. Criteria: Variantyx Assertion Criteria 2022. Collection method: clinical testing. Allele origin: germline. Inheritance: Autosomal recessive inheritance. Affected: yes. Not counted in ClinVar's aggregate classification.
Comment: This is a nonsense variant in the ABCA4 gene (OMIM: 601691). Pathogenic variants in this gene have been associated with autosomal recessive ABCA4-related retinopathy. This variant introduces a premature termination codon in exon 48 out of 50. It is expected to result in loss of function, which is a known disease mechanism for ABCA4 in this disorder (PMID: 10958761, 25312043) (PVS1). This variant has a 0.0384% maximum allele frequency in non-founder control populations (PM2). Based on the current evidence, this variant is classified as pathogenic for autosomal recessive ABCA4-related retinopathy. This variant was reported by previous genetic testing.

PreventionGenetics, part of Exact Sciences
Classification: Pathogenic for ABCA4-related condition. Last evaluated: 2025-12-04. Review status: criteria provided, single submitter. Criteria: ACMG Guidelines, 2015. Collection method: clinical testing. Allele origin: germline. Not counted in ClinVar's aggregate classification.
Comment: The ABCA4 c.6658C>T variant is predicted to result in premature protein termination (p.Gln2220*). This variant has been reported many times in individuals with retinal disease (see for examples: Khan et al. 2012. PubMed ID: 23134348; Shanks et al. 2013. PubMed ID: 22968130; Supplement in Holtan et al. 2020. PubMed ID: 31429209; Table S1, Lin et al. 2024. PubMed ID: 38219857). This variant is present in 0.042% of alleles in individuals of South Asian descent in gnomAD. Nonsense variants in ABCA4 are an established mechanism of disease. Given all the evidence, we interpret this variant as pathogenic.

Labcorp Genetics (formerly Invitae), Labcorp
Classification: Pathogenic. Last evaluated: 2025-11-19. Review status: criteria provided, single submitter. Criteria: Invitae Variant Classification Sherloc (09022015). Collection method: clinical testing. Allele origin: germline. Not counted in ClinVar's aggregate classification.
Comment: This sequence change creates a premature translational stop signal (p.Gln2220*) in the ABCA4 gene. It is expected to result in an absent or disrupted protein product. Loss-of-function variants in ABCA4 are known to be pathogenic (PMID: 10958761, 24938718, 25312043, 26780318). This variant is present in population databases (rs61753046, gnomAD 0.04%). This premature translational stop signal has been observed in individuals with ABCA4-related retinal dystrophy (PMID: 22968130, 28041643, 28341476). ClinVar contains an entry for this variant (Variation ID: 99476). For these reasons, this variant has been classified as Pathogenic.

3billion
Classification: Pathogenic for ABCA4-related disorder. Last evaluated: 2025-08-07. Review status: criteria provided, single submitter. Criteria: ACMG Guidelines, 2015. Collection method: clinical testing. Allele origin: germline. Affected: yes. Not counted in ClinVar's aggregate classification.
Comment: The variant is observed at an extremely low frequency in the gnomAD v4.1.0 dataset (total allele frequency: 0.002%). Predicted Consequence/Location: Stop-gained (nonsense): predicted to result in a loss or disruption of normal protein function through nonsense-mediated decay (NMD) or protein truncation. Multiple pathogenic variants are reported downstream of the variant. The variant has been reported at least twice as pathogenic with clinical assertions and evidence for the classification (ClinVar ID: VCV000099476 /PMID: 10958761 /3billion dataset). Therefore, this variant is classified as Pathogenic according to the recommendation of ACMG/AMP guideline.

Blueprint Genetics
Classification: Pathogenic for ABCA4-related disorders. Last evaluated: 2024-06-17. Review status: criteria provided, single submitter. Criteria: ACMG Guidelines, 2015. Collection method: clinical testing. Allele origin: germline. Affected: yes. Observed: 5 variant alleles. Not counted in ClinVar's aggregate classification.

Ophthalmic Genetics Group, Institute of Molecular and Clinical Ophthalmology Basel
Classification: Pathogenic for Retinal dystrophy. Last evaluated: 2024-05-27. Review status: criteria provided, single submitter. Criteria: ACMG Guidelines, 2015. Collection method: research. Allele origin: germline. Affected: yes. Observed: 12 variant alleles. Not counted in ClinVar's aggregate classification.
Comment: This variant was classified as Pathogenic based on ACMG criteria: PVS1_very strong, PS4_mod, and PM2_mod

North West Genomic Laboratory Hub, Manchester University NHS Foundation Trust
Classification: Pathogenic for Retinal disorders. Last evaluated: 2023-12-21. Review status: criteria provided, single submitter. Criteria: ACGS Best Practice Guidelines for Variant Classification in Rare Disease 2020. Collection method: clinical testing. Allele origin: germline. Affected: yes. Not counted in ClinVar's aggregate classification.
Comment: PM3_Str PM2_Mod PP1_Str PVS1_VStr

Institute of Human Genetics, Univ. Regensburg, Univ. Regensburg
Classification: Pathogenic for Retinal dystrophy. Last evaluated: 2023-01-01. Review status: criteria provided, single submitter. Criteria: ACMG Guidelines, 2015. Collection method: clinical testing. Allele origin: germline. Affected: yes. Not counted in ClinVar's aggregate classification.

GeneDx
Classification: Pathogenic. Last evaluated: 2022-12-20. Review status: criteria provided, single submitter. Criteria: GeneDx Variant Classification Process June 2021. Collection method: clinical testing. Allele origin: germline. Affected: yes. Not counted in ClinVar's aggregate classification.
Comment: Nonsense variant predicted to result in protein truncation or nonsense mediated decay in a gene for which loss of function is a known mechanism of disease; This variant is associated with the following publications: (PMID: 10958761, 25525159, 31429209, 34758253, 35456422, 22968130, 28341476, 28118664, 28041643, 32581362, 23134348)

Genetics and Molecular Pathology, SA Pathology
Classification: Pathogenic for Severe early-childhood-onset retinal dystrophy. Last evaluated: 2021-10-13. Review status: criteria provided, single submitter. Criteria: ACMG Guidelines, 2015. Collection method: clinical testing. Allele origin: germline. Affected: yes. Not counted in ClinVar's aggregate classification.

Institute of Medical Molecular Genetics, University of Zurich
Classification: Likely pathogenic for Retinitis pigmentosa 19. Last evaluated: 2021-01-30. Review status: criteria provided, single submitter. Criteria: ACMG Guidelines, 2015. Collection method: clinical testing. Allele origin: unknown. Affected: yes. Not counted in ClinVar's aggregate classification.

Genetics and Genomic Medicine Centre, NeuroGen Healthcare, NeuroGen Healthcare
Classification: Pathogenic for Severe early-childhood-onset retinal dystrophy. Last evaluated: 2019-11-09. Review status: criteria provided, single submitter. Criteria: Submitter's publication. Collection method: clinical testing. Allele origin: unknown. Affected: no. Not counted in ClinVar's aggregate classification.

NM_000350.3(ABCA4):c.6658C>T (p.Gln2220Ter)

Gene: ABCA4 (ATP binding cassette subfamily A member 4; minus strand). Cytogenetic location: 1p22.1.
Variant type: single nucleotide variant.
Coding change: c.6658C>T on transcript NM_000350.3 (MANE Select); coding-DNA position 6658, C replaced by T.
Protein change: p.Gln2220Ter; replaces glutamine 2220 with a stop codon.
Molecular consequence: nonsense.
Genome position (GRCh38, 1-based): chr1:93,997,932, G>A on the plus strand (C>T on the coding strand, the complement: ABCA4 is on the minus strand). VCF-style: chr1-93997932-G-A. GRCh37 (hg19) VCF-style: chr1-94463488-G-A.
Other names: NP_000341.2:p.(Gln2220Ter); NM_000350.3(ABCA4):c.6658C>T; p.Gln2220Ter; c.6436C>T, p.Gln2146Ter (NM_001425324.1); short protein forms Q2220*, Q2146*.
Identifiers: ClinVar variation 99476 (VCV000099476.45), dbSNP rs61753046, ClinGen allele CA227425.